The following is an entry in ClinVar:

NM_014672.4(PRORP):c.1197dup (p.Ser400fs)

Genes: PRORP (protein only RNase P catalytic subunit; plus strand), PRORP-PSMA6 (PRORP-PSMA6 readthrough; plus strand). Cytogenetic location: 14q13.2.
Variant type: Duplication.
Coding change: c.1197dup on transcript NM_014672.4 (MANE Select); coding-DNA position 1197, one base duplicated (A; older notation c.1197dupA).
Protein change: p.Ser400fs; shifts the reading frame from serine 400.
Molecular consequence: frameshift variant.
Genome position (GRCh38, 1-based): chr14:35,180,699, A duplicated; the last of 4 consecutive A bases (chr14:35,180,696-35,180,699); duplicating any one gives the same sequence. VCF-style (leftmost placement, unchanged base first): chr14-35180695-T-TA. GRCh37 (hg19) VCF-style: chr14-35649901-T-TA.
Other names: 1-BP DUP, 1197A (rs764714439); c.1197dupA (NM_014672.3, NM_014672.4); c.1149dup, p.Ser384fs (NM_001256678.2); c.912dup, p.Ser305fs (NM_001256679.2); c.81dup, p.Ser28fs (NM_001256680.2, NM_001256681.2); short protein forms S28fs, S400fs, S305fs, S384fs.
Identifiers: ClinVar variation 638210 (VCV000638210.29), dbSNP rs764714439, ClinGen allele CA7154857.
Genomic context (GRCh38, chr14:35,180,695, plus strand): 5'-TCTTATTAATGTTTTGTCTGACATTTCTTTATTAGGAACTTAAGAGATTTGAGAACTTCA[T>TA]AAAATCTCGTCCTCCTTTTGATGTTGTCATTGATGGTCTCAATGTTGCCAAAATGTTTCC-3'

ClinVar aggregate classification (germline): Pathogenic/Likely pathogenic. Review status: no assertion criteria provided (0 of 4 stars). 3 submissions from 3 submitters: Pathogenic (1); Likely pathogenic (2). Last evaluated 2024-03-11.

Conditions:
Combined oxidative phosphorylation deficiency 54 (COXPD54). Identifiers: MedGen C5676912, MONDO:0030543, OMIM 619737.
Leukoencephalopathy. Identifiers: MedGen C0270612, HP:0002352.
Childhood onset sensorineural hearing impairment. Identifiers: MedGen C4023340, HP:0011474.
Lactic acidosis. Identifiers: MedGen C0001125, MONDO:0006040, HP:0003128.
Microcephaly. Also called: Microcephaly (disease). Identifiers: MedGen C4551563, MONDO:0001149, HP:0000252.
Global developmental delay (DD). Also called: Cognitive delay. Identifiers: MedGen C0557874, HP:0001263. Disease mechanism: loss of function.
Persistent lactic acidosis. Identifiers: MedGen C3554538, HP:0004898.
Diffuse white matter abnormalities. Identifiers: MedGen C4024923, HP:0007204.
Hypertonia. Identifiers: MedGen C0026826, HP:0001276.
Feeding difficulties. Also called: Poor feeding. Identifiers: MedGen C0232466, HP:0011968.

Submissions (3):

OMIM
Classification: Pathogenic for COMBINED OXIDATIVE PHOSPHORYLATION DEFICIENCY 54. Last evaluated: 2024-03-11. Review status: no assertion criteria provided. Collection method: literature only. Allele origin: germline.

Manchester Centre for Genomic Medicine, The University of Manchester
Classification: Likely pathogenic for Childhood onset sensorineural hearing impairment; Leukoencephalopathy; Lactic acidosis. Last evaluated: 2021-09-23. Review status: no assertion criteria provided. Collection method: clinical testing. Allele origin: germline. Inheritance: Autosomal recessive inheritance. Affected: yes.

Dept. of Evolution and Genomic Sciences, University of Manchester
Classification: Likely pathogenic for Hypertonia; Persistent lactic acidosis; Feeding difficulties; Global developmental delay; Microcephaly; Diffuse white matter abnormalities. Last evaluated: 2018-10-01. Review status: no assertion criteria provided. Collection method: clinical testing. Allele origin: inherited. Inheritance: Autosomal recessive inheritance. Affected: yes.

Literature cited by the submitters: PubMed 34715011 (cited by OMIM).